The following is an entry in ClinVar:

ClinVar aggregate classification (germline): Uncertain significance. Review status: criteria provided, multiple submitters, no conflicts (2 of 4 stars). 2 submissions from 2 submitters: Uncertain significance (2). Last evaluated 2025-05-01.

Conditions:
Hereditary cancer-predisposing syndrome. Also called: Hereditary neoplastic syndrome; Hereditary Cancer Syndrome; Neoplastic Syndromes, Hereditary; Tumor predisposition. Identifiers: Orphanet 140162, MedGen C0027672, MeSH D009386, MONDO:0015356.

Submissions (2):

Ambry Genetics
Classification: Uncertain significance for Hereditary cancer-predisposing syndrome. Last evaluated: 2025-05-01. Review status: criteria provided, single submitter. Criteria: Ambry Variant Classification Scheme 2023. Collection method: clinical testing. Allele origin: germline.
Comment: The p.D84G variant (also known as c.251A>G) is located in coding exon 3 of the FANCC gene. The aspartic acid at codon 84 is replaced by glycine, an amino acid with similar properties. This change occurs in the first base pair of coding exon 3. This amino acid position is conserved. In addition, the in silico prediction for this alteration is inconclusive. Based on the available evidence, the clinical significance of this variant remains unclear.

GeneDx
Classification: Uncertain significance. Last evaluated: 2016-02-10. Review status: criteria provided, single submitter. Criteria: GeneDx Variant Classification (06012015). Collection method: clinical testing. Allele origin: germline. Affected: yes.
Comment: This variant is denoted FANCC c.251A>G at the cDNA level, p.Asp84Gly (D84G) at the protein level, and results in the change of an Aspartic Acid to a Glycine (GAT>GGT). This variant has not, to our knowledge, been published in the literature as pathogenic or benign. FANCC Asp84Gly was not observed in approximately 6,500 individuals of European and African American ancestry in the NHLBI Exome Sequencing Project, suggesting it is not a common benign variant in these populations. Since Aspartic Acid and Glycine differ in polarity, charge, size or other properties, this is considered a non-conservative amino acid substitution. FANCC Asp84Gly occurs at a position where amino acids with properties similar to Aspartic Acid are tolerated across species and is located within the region that interacts with NADPH cytochrome c (P450) reductase (Gordon 2000). In silico analyses are inconsistent regarding the effect this variant may have on protein structure and function. Based on currently available evidence, it is unclear whether FANCC Asp84Gly is a pathogenic or benign variant. We consider it to be a variant of uncertain significance.

NM_000136.3(FANCC):c.251A>G (p.Asp84Gly)

Gene: FANCC (FA complementation group C; minus strand). Cytogenetic location: 9q22.32.
Variant type: single nucleotide variant.
Coding change: c.251A>G on transcript NM_000136.3 (MANE Select); coding-DNA position 251, A replaced by G.
Protein change: p.Asp84Gly; replaces aspartic acid 84 with glycine.
Molecular consequence: missense variant.
Genome position (GRCh38, 1-based): chr9:95,240,743, T>C on the plus strand (A>G on the coding strand, the complement: FANCC is on the minus strand). VCF-style: chr9-95240743-T-C. GRCh37 (hg19) VCF-style: chr9-98003025-T-C.
Other names: c.251A>G, p.Asp84Gly (NM_001243743.2, NM_001243744.2); short protein forms D84G.
Identifiers: ClinVar variation 234822 (VCV000234822.3), dbSNP rs876661239, ClinGen allele CA10577380.